The following is an entry in ClinVar:

ClinVar aggregate classification (germline): Benign. Review status: criteria provided, multiple submitters, no conflicts (2 of 4 stars). 3 submissions from 3 submitters: Benign (2). 1 of the submissions does not count toward it. Last evaluated 2020-11-19.

Conditions:
SPTBN5-related disorder. Also called: SPTBN5-related condition.

Allele frequency attached by ClinVar (database versions not stated): gnomAD exomes 0.07142; ExAC 0.07334; ESP Exome Variant Server 0.08096; TOPMed 0.10057; 1000 Genomes Project 0.12001; 1000 Genomes Project 30x 0.12164.
gnomAD v4.1: 94,358 of 1,613,526 alleles (5.8%); highest among the groups gnomAD compares: African/African-American, 17%; 3,869 homozygotes.

Submissions (3):

GeneDx
Classification: Benign. Last evaluated: 2020-11-19. Review status: criteria provided, single submitter. Criteria: GeneDx Variant Classification Process June 2021. Collection method: clinical testing. Allele origin: germline. Affected: yes.

Breakthrough Genomics
Classification: Benign. Review status: criteria provided, single submitter. Criteria: ACMG Guidelines, 2015. Collection method: not provided. Allele origin: germline. Inheritance: Unknown mechanism. Affected: yes.

PreventionGenetics, part of Exact Sciences
Classification: Benign for SPTBN5-related condition. Last evaluated: 2019-11-06. Review status: no assertion criteria provided. Collection method: clinical testing. Allele origin: germline. Not counted in ClinVar's aggregate classification.
Comment: This variant is classified as benign based on ACMG/AMP sequence variant interpretation guidelines (Richards et al. 2015 PMID: 25741868, with internal and published modifications).

NM_016642.4(SPTBN5):c.3432C>T (p.His1144=)

Gene: SPTBN5 (spectrin beta, non-erythrocytic 5; minus strand). Cytogenetic location: 15q15.1.
Variant type: single nucleotide variant.
Coding change: c.3432C>T on transcript NM_016642.4 (MANE Select); coding-DNA position 3432, C replaced by T.
Protein change: p.His1144=; no amino-acid change (histidine 1144 retained).
Molecular consequence: synonymous variant.
Genome position (GRCh38, 1-based): chr15:41,878,380, G>A on the plus strand (C>T on the coding strand, the complement: SPTBN5 is on the minus strand). VCF-style: chr15-41878380-G-A. GRCh37 (hg19) VCF-style: chr15-42170578-G-A.
Identifiers: ClinVar variation 1248175 (VCV001248175.5), dbSNP rs747779, ClinGen allele CA7503630.